The following is an entry in ClinVar:

NM_018062.4(FANCL):c.940C>T (p.Gln314Ter)

Gene: FANCL (FA complementation group L; minus strand). Cytogenetic location: 2p16.1.
Variant type: single nucleotide variant.
Coding change: c.940C>T on transcript NM_018062.4 (MANE Select); coding-DNA position 940, C replaced by T.
Protein change: p.Gln314Ter; replaces glutamine 314 with a stop codon.
Molecular consequence: nonsense.
Genome position (GRCh38, 1-based): chr2:58,161,602, G>A on the plus strand (C>T on the coding strand, the complement: FANCL is on the minus strand). VCF-style: chr2-58161602-G-A. GRCh37 (hg19) VCF-style: chr2-58388737-G-A.
Other names: c.955C>T, p.Gln319Ter (NM_001114636.2); c.985C>T, p.Gln329Ter (NM_001374615.1); c.1000C>T, p.Gln334Ter (NM_001410792.1); short protein forms Q314*, Q329*, Q334*, Q319*.
Identifiers: ClinVar variation 2730668 (VCV002730668.3), dbSNP rs765022740, ClinGen allele CA1670376.

ClinVar aggregate classification (germline): Pathogenic (1 of 4 stars; one submission).

Conditions:
Fanconi anemia (FA). Also called: Fanconi's anemia. Identifiers: Orphanet 84, MedGen C0015625, MeSH D005199, MONDO:0019391.

Allele frequency attached by ClinVar (database versions not stated): TOPMed below 0.00001; gnomAD 0.00001; gnomAD exomes 0.00001; ExAC 0.00002.

Submission:

Labcorp Genetics (formerly Invitae), Labcorp
Classification: Pathogenic for Fanconi anemia. Last evaluated: 2023-11-03. Review status: criteria provided, single submitter. Criteria: Invitae Variant Classification Sherloc (09022015). Collection method: clinical testing. Allele origin: germline.
Comment: This sequence change creates a premature translational stop signal (p.Gln314*) in the FANCL gene. It is expected to result in an absent or disrupted protein product. Loss-of-function variants in FANCL are known to be pathogenic (PMID: 19405097, 23613520). This variant is present in population databases (rs765022740, gnomAD 0.002%). This variant has not been reported in the literature in individuals affected with FANCL-related conditions. Algorithms developed to predict the effect of sequence changes on RNA splicing suggest that this variant may disrupt the consensus splice site. For these reasons, this variant has been classified as Pathogenic.

Literature cited by the submitters: PubMed 19405097; PubMed 23613520.